The following is an entry in ClinVar:

NM_001371279.1(REEP1):c.156G>A (p.Glu52=)

Gene: REEP1 (receptor accessory protein 1; minus strand). Cytogenetic location: 2p11.2.
Variant type: single nucleotide variant.
Coding change: c.156G>A on transcript NM_001371279.1 (MANE Select); coding-DNA position 156, G replaced by A.
Protein change: p.Glu52=; no amino-acid change (glutamic acid 52 retained).
Molecular consequence: synonymous variant.
Genome position (GRCh38, 1-based): chr2:86,263,991, C>T on the plus strand (G>A on the coding strand, the complement: REEP1 is on the minus strand). VCF-style: chr2-86263991-C-T. GRCh37 (hg19) VCF-style: chr2-86491114-C-T.
Other names: c.177G>A, p.Glu59= (NM_001164730.2); c.75G>A, p.Glu25= (NM_001164731.2); c.156G>A, p.Glu52= (NM_001164732.2, NM_001371280.1, NM_022912.3).
Identifiers: ClinVar variation 384773 (VCV000384773.11), dbSNP rs750019085, ClinGen allele CA16604399.

ClinVar aggregate classification (germline): Likely benign. Review status: criteria provided, multiple submitters, no conflicts (2 of 4 stars). 3 submissions from 3 submitters: Likely benign (3). Last evaluated 2024-10-05.

Conditions:
Hereditary spastic paraplegia 31. Also called: SPASTIC PARAPLEGIA 31, AUTOSOMAL DOMINANT. Identifiers: Orphanet 101011, MedGen C1853247, MONDO:0012453, OMIM 610250.
Inborn genetic diseases. Identifiers: MedGen C0950123, MeSH D030342.

Allele frequency attached by ClinVar (database versions not stated): gnomAD exomes below 0.00001 and 0.00001; gnomAD 0.00002; TOPMed 0.00002.
gnomAD v4.1: 20 of 1,613,488 alleles (0.0012%); highest among the groups gnomAD compares: Non-Finnish European, 0.0017%; no homozygotes.

Submissions (3):

Labcorp Genetics (formerly Invitae), Labcorp
Classification: Likely benign for Hereditary spastic paraplegia 31. Last evaluated: 2024-10-05. Review status: criteria provided, single submitter. Criteria: Invitae Variant Classification Sherloc (09022015). Collection method: clinical testing. Allele origin: germline.

Ambry Genetics
Classification: Likely benign for Inborn genetic diseases. Last evaluated: 2019-07-11. Review status: criteria provided, single submitter. Criteria: Ambry Variant Classification Scheme 2023. Collection method: clinical testing. Allele origin: germline.

GeneDx
Classification: Likely benign. Last evaluated: 2016-04-06. Review status: criteria provided, single submitter. Criteria: GeneDx Variant Classification (06012015). Collection method: clinical testing. Allele origin: germline. Affected: yes.
Comment: This variant is considered likely benign or benign based on one or more of the following criteria: it is a conservative change, it occurs at a poorly conserved position in the protein, it is predicted to be benign by multiple in silico algorithms, and/or has population frequency not consistent with disease.